The following is an entry in ClinVar:

ClinVar aggregate classification (germline): Uncertain significance (1 of 4 stars; one submission).

Submission:

Labcorp Genetics (formerly Invitae), Labcorp
Classification: Uncertain significance. Last evaluated: 2023-07-28. Review status: criteria provided, single submitter. Criteria: Invitae Variant Classification Sherloc (09022015). Collection method: clinical testing. Allele origin: germline.
Comment: This sequence change replaces glutamic acid, which is acidic and polar, with glutamine, which is neutral and polar, at codon 459 of the COL4A1 protein (p.Glu459Gln). This variant is not present in population databases (gnomAD no frequency). This variant has not been reported in the literature in individuals affected with COL4A1-related conditions. Advanced modeling of protein sequence and biophysical properties (such as structural, functional, and spatial information, amino acid conservation, physicochemical variation, residue mobility, and thermodynamic stability) performed at Invitae indicates that this missense variant is not expected to disrupt COL4A1 protein function. In summary, the available evidence is currently insufficient to determine the role of this variant in disease. Therefore, it has been classified as a Variant of Uncertain Significance.

NM_001845.6(COL4A1):c.1375G>C (p.Glu459Gln)

Genes: COL4A1 (collagen type IV alpha 1 chain; minus strand), LOC126861856 (BRD4-independent group 4 enhancer GRCh37_chr13:110846747-110847946; plus strand). Cytogenetic location: 13q34.
Variant type: single nucleotide variant.
Coding change: c.1375G>C on transcript NM_001845.6 (MANE Select); coding-DNA position 1375, G replaced by C.
Protein change: p.Glu459Gln; replaces glutamic acid 459 with glutamine.
Molecular consequence: missense variant.
Genome position (GRCh38, 1-based): chr13:110,195,029, C>G on the plus strand (G>C on the coding strand, the complement: COL4A1 is on the minus strand). VCF-style: chr13-110195029-C-G. GRCh37 (hg19) VCF-style: chr13-110847376-C-G.
Other names: c.1375G>C, p.Glu459Gln (NM_001303110.2); short protein forms E459Q.
Identifiers: ClinVar variation 2868229 (VCV002868229.3), dbSNP rs2501547057, ClinGen allele CA388723674.